The following is an entry in ClinVar:

ClinVar aggregate classification (germline): Uncertain significance (1 of 4 stars; one submission).

Conditions:
RYR1-related disorder. Also called: RYR1-related condition; RYR1-related disorders. Identifiers: MedGen CN239331.

Submission:

Labcorp Genetics (formerly Invitae), Labcorp
Classification: Uncertain significance for RYR1-related disorder. Last evaluated: 2020-05-27. Review status: criteria provided, single submitter. Criteria: Invitae Variant Classification Sherloc (09022015). Collection method: clinical testing. Allele origin: germline.
Comment: This sequence change replaces proline with serine at codon 1018 of the RYR1 protein (p.Pro1018Ser). The proline residue is highly conserved and there is a moderate physicochemical difference between proline and serine. This variant is not present in population databases (ExAC no frequency). This variant has not been reported in the literature in individuals with RYR1-related conditions. Algorithms developed to predict the effect of missense changes on protein structure and function are either unavailable or do not agree on the potential impact of this missense change (SIFT: "Deleterious"; PolyPhen-2: "Probably Damaging"; Align-GVGD: "Class C0"). In summary, the available evidence is currently insufficient to determine the role of this variant in disease. Therefore, it has been classified as a Variant of Uncertain Significance.

NM_000540.3(RYR1):c.3052C>T (p.Pro1018Ser)

Gene: RYR1 (ryanodine receptor 1; plus strand). Cytogenetic location: 19q13.2.
Variant type: single nucleotide variant.
Coding change: c.3052C>T on transcript NM_000540.3 (MANE Select); coding-DNA position 3052, C replaced by T.
Protein change: p.Pro1018Ser; replaces proline 1018 with serine.
Molecular consequence: missense variant.
Genome position (GRCh38, 1-based): chr19:38,466,272, C>T. VCF-style: chr19-38466272-C-T. GRCh37 (hg19) VCF-style: chr19-38956912-C-T.
Other names: c.3052C>T, p.Pro1018Ser (NM_001042723.2); short protein forms P1018S.
Identifiers: ClinVar variation 2416251 (VCV002416251.3), dbSNP rs143331857, ClinGen allele CA405635274.